The following is an entry in ClinVar:

NM_021961.6(TEAD1):c.1052A>G (p.Tyr351Cys)

Gene: TEAD1 (TEA domain transcription factor 1; plus strand). Cytogenetic location: 11p15.3.
Variant type: single nucleotide variant.
Coding change: c.1052A>G on transcript NM_021961.6 (MANE Select); coding-DNA position 1052, A replaced by G.
Protein change: p.Tyr351Cys; replaces tyrosine 351 with cysteine.
Molecular consequence: missense variant.
Genome position (GRCh38, 1-based): chr11:12,930,211, A>G. VCF-style: chr11-12930211-A-G. GRCh37 (hg19) VCF-style: chr11-12951758-A-G.
Other names: short protein forms Y351C.
Identifiers: ClinVar variation 1496708 (VCV001496708.8), dbSNP rs2134170020, ClinGen allele CA379709694.

ClinVar aggregate classification (germline): Uncertain significance (1 of 4 stars; one submission).

Submission:

Labcorp Genetics (formerly Invitae), Labcorp
Classification: Uncertain significance. Last evaluated: 2021-01-06. Review status: criteria provided, single submitter. Criteria: Invitae Variant Classification Sherloc (09022015). Collection method: clinical testing. Allele origin: germline.
Comment: In summary, the available evidence is currently insufficient to determine the role of this variant in disease. Therefore, it has been classified as a Variant of Uncertain Significance. Algorithms developed to predict the effect of missense changes on protein structure and function are either unavailable or do not agree on the potential impact of this missense change (SIFT: "Deleterious"; PolyPhen-2: "Probably Damaging"; Align-GVGD: "Class C0"). This variant has not been reported in the literature in individuals with TEAD1-related conditions. This variant is not present in population databases (ExAC no frequency). This sequence change replaces tyrosine with cysteine at codon 351 of the TEAD1 protein (p.Tyr351Cys). The tyrosine residue is highly conserved and there is a large physicochemical difference between tyrosine and cysteine.